The following is an entry in ClinVar:

NM_000787.4(DBH):c.868G>A (p.Asp290Asn)

Gene: DBH (dopamine beta-hydroxylase; plus strand). Cytogenetic location: 9q34.2.
Variant type: single nucleotide variant.
Coding change: c.868G>A on transcript NM_000787.4 (MANE Select); coding-DNA position 868, G replaced by A.
Protein change: p.Asp290Asn; replaces aspartic acid 290 with asparagine.
Molecular consequence: missense variant.
Genome position (GRCh38, 1-based): chr9:133,643,536, G>A. VCF-style: chr9-133643536-G-A. GRCh37 (hg19) VCF-style: chr9-136508658-G-A.
Other names: short protein forms D290N.
Identifiers: ClinVar variation 365650 (VCV000365650.18), dbSNP rs5324, ClinGen allele CA5313218.

ClinVar aggregate classification (germline): Benign. Review status: criteria provided, multiple submitters, no conflicts (2 of 4 stars). 4 submissions from 4 submitters: Benign (4). Last evaluated 2026-02-02.

Conditions:
Orthostatic hypotension 1 (ORTHYP1). Also called: Dopamine beta-hydroxylase deficiency; Orthostatic hypotension 1, due to DBH deficiency; NORADRENALINE DEFICIENCY; NOREPINEPHRINE DEFICIENCY. Identifiers: Orphanet 230, MedGen C4746777, MONDO:0009123, OMIM 223360.

Allele frequency attached by ClinVar (database versions not stated): gnomAD exomes 0.00231 and 0.00577; ExAC 0.00672; gnomAD 0.01992 and 0.02156; 1000 Genomes Project 0.02157; 1000 Genomes Project 30x 0.02202; TOPMed 0.02227; ESP Exome Variant Server 0.02384.

Submissions (4):

Labcorp Genetics (formerly Invitae), Labcorp
Classification: Benign for Orthostatic hypotension 1. Last evaluated: 2026-02-02. Review status: criteria provided, single submitter. Criteria: Invitae Variant Classification Sherloc (09022015). Collection method: clinical testing. Allele origin: germline.

GeneDx
Classification: Benign. Last evaluated: 2021-05-04. Review status: criteria provided, single submitter. Criteria: GeneDx Variant Classification Process June 2021. Collection method: clinical testing. Allele origin: germline. Affected: yes.

Illumina Laboratory Services, Illumina
Classification: Benign for Orthostatic hypotension 1. Last evaluated: 2018-01-13. Review status: criteria provided, single submitter. Criteria: ICSL Variant Classification Criteria 13 December 2019. Collection method: clinical testing. Allele origin: germline.
Comment: This variant was observed in the ICSL laboratory as part of a predisposition screen in an ostensibly healthy population. It had not been previously curated by ICSL or reported in the Human Gene Mutation Database (HGMD: prior to June 1st, 2018), and was therefore a candidate for classification through an automated scoring system. Utilizing variant allele frequency, disease prevalence and penetrance estimates, and inheritance mode, an automated score was calculated to assess if this variant is too frequent to cause the disease. Based on the score and internal cut-off values, a variant classified as benign is not then subjected to further curation. The score for this variant resulted in a classification of benign for this disease.

Breakthrough Genomics
Classification: Benign. Review status: criteria provided, single submitter. Criteria: ACMG Guidelines, 2015. Collection method: not provided. Allele origin: germline. Inheritance: Autosomal recessive inheritance. Affected: yes.